The following is an entry in ClinVar:

NM_001370466.1(NOD2):c.3011T>A (p.Leu1004His)

Genes: CYLD-AS1 (CYLD antisense RNA 1; minus strand), NOD2 (nucleotide binding oligomerization domain containing 2; plus strand). Cytogenetic location: 16q12.1.
Variant type: single nucleotide variant.
Coding change: c.3011T>A on transcript NM_001370466.1 (MANE Select); coding-DNA position 3011, T replaced by A.
Protein change: p.Leu1004His; replaces leucine 1004 with histidine.
Molecular consequence: missense variant. On other transcripts: non-coding transcript variant (1).
Genome position (GRCh38, 1-based): chr16:50,731,788, T>A. VCF-style: chr16-50731788-T-A. GRCh37 (hg19) VCF-style: chr16-50765699-T-A.
Other names: c.3011T>A, p.Leu1004His (NM_001293557.2); c.3092T>A, p.Leu1031His (NM_022162.3); short protein forms L1004H, L1031H.
Identifiers: ClinVar variation 1163983 (VCV001163983.36), dbSNP rs1451481984, ClinGen allele CA395877096.

ClinVar aggregate classification (germline): Uncertain significance. Review status: criteria provided, multiple submitters, no conflicts (2 of 4 stars). 3 submissions from 3 submitters: Uncertain significance (3). Last evaluated 2022-10-04.

Conditions:
Blau syndrome (BLAUS). Also called: ARTHROCUTANEOUVEAL GRANULOMATOSIS; GRANULOMATOSIS, FAMILIAL JUVENILE SYSTEMIC; GRANULOMATOSIS, FAMILIAL, BLAU TYPE; GRANULOMATOUS INFLAMMATORY ARTHRITIS, DERMATITIS, AND UVEITIS, FAMILIAL; JABS SYNDROME. Identifiers: Orphanet 90340, MedGen C5201146, MONDO:0008523, OMIM 186580.
Regional enteritis. Also called: Enteritis, Granulomatous. Identifiers: MedGen C0678202, MeSH D003424.

Allele frequency attached by ClinVar (database versions not stated): gnomAD 0.00001; gnomAD exomes below 0.00001; TOPMed below 0.00001.
gnomAD v4.1: 5 of 1,613,784 alleles (0.00031%); highest among the groups gnomAD compares: Non-Finnish European, 0.00042%; no homozygotes.

Submissions (3):

Labcorp Genetics (formerly Invitae), Labcorp
Classification: Uncertain significance for Regional enteritis; Blau syndrome. Last evaluated: 2022-10-04. Review status: criteria provided, single submitter. Criteria: Invitae Variant Classification Sherloc (09022015). Collection method: clinical testing. Allele origin: germline.
Comment: Advanced modeling of protein sequence and biophysical properties (such as structural, functional, and spatial information, amino acid conservation, physicochemical variation, residue mobility, and thermodynamic stability) performed at Invitae indicates that this missense variant is not expected to disrupt NOD2 protein function. ClinVar contains an entry for this variant (Variation ID: 1163983). This variant has not been reported in the literature in individuals affected with NOD2-related conditions. This variant is present in population databases (no rsID available, gnomAD 0.0009%). This sequence change replaces leucine, which is neutral and non-polar, with histidine, which is basic and polar, at codon 1031 of the NOD2 protein (p.Leu1031His). In summary, the available evidence is currently insufficient to determine the role of this variant in disease. Therefore, it has been classified as a Variant of Uncertain Significance.

CeGaT Center for Human Genetics Tuebingen
Classification: Uncertain significance. Last evaluated: 2022-04-01. Review status: criteria provided, single submitter. Criteria: CeGaT Center For Human Genetics Tuebingen Variant Classification Criteria Version 2. Collection method: clinical testing. Allele origin: germline. Affected: yes. Observed: 1 variant allele.

Mayo Clinic Laboratories, Mayo Clinic
Classification: Uncertain significance. Last evaluated: 2019-07-07. Review status: criteria provided, single submitter. Criteria: ACMG Guidelines, 2015. Collection method: clinical testing. Allele origin: germline. Observed: 1 variant allele.